The following is an entry in ClinVar:

NM_006031.6(PCNT):c.2615T>C (p.Leu872Ser)

Gene: PCNT (pericentrin; plus strand). Cytogenetic location: 21q22.3.
Variant type: single nucleotide variant.
Coding change: c.2615T>C on transcript NM_006031.6 (MANE Select); coding-DNA position 2615, T replaced by C.
Protein change: p.Leu872Ser; replaces leucine 872 with serine.
Molecular consequence: missense variant.
Genome position (GRCh38, 1-based): chr21:46,366,589, T>C. VCF-style: chr21-46366589-T-C. GRCh37 (hg19) VCF-style: chr21-47786504-T-C.
Other names: c.2261T>C, p.Leu754Ser (NM_001315529.2); c.2615T>C (NM_006031.5); short protein forms L754S, L872S.
Identifiers: ClinVar variation 1470960 (VCV001470960.6), dbSNP rs2084937959, ClinGen allele CA410568847.

ClinVar aggregate classification (germline): Uncertain significance. Review status: criteria provided, single submitter (1 of 4 stars). 2 submissions from 2 submitters: Uncertain significance (1). 1 of the submissions does not count toward it. Last evaluated 2021-08-14.

Conditions:
PCNT-related disorder. Also called: PCNT-related condition.

Allele frequency attached by ClinVar (database versions not stated): TOPMed below 0.00001.

Submissions (2):

Labcorp Genetics (formerly Invitae), Labcorp
Classification: Uncertain significance. Last evaluated: 2021-08-14. Review status: criteria provided, single submitter. Criteria: Invitae Variant Classification Sherloc (09022015). Collection method: clinical testing. Allele origin: germline.
Comment: This sequence change replaces leucine with serine at codon 872 of the PCNT protein (p.Leu872Ser). The leucine residue is moderately conserved and there is a large physicochemical difference between leucine and serine. This variant is not present in population databases (ExAC no frequency). This variant has not been reported in the literature in individuals affected with PCNT-related conditions. Algorithms developed to predict the effect of missense changes on protein structure and function are either unavailable or do not agree on the potential impact of this missense change (SIFT: "Deleterious"; PolyPhen-2: "Possibly Damaging"; Align-GVGD: "Class C0"). In summary, the available evidence is currently insufficient to determine the role of this variant in disease. Therefore, it has been classified as a Variant of Uncertain Significance.

PreventionGenetics, part of Exact Sciences
Classification: Uncertain significance for PCNT-related condition. Last evaluated: 2024-03-13. Review status: no assertion criteria provided. Collection method: clinical testing. Allele origin: germline. Not counted in ClinVar's aggregate classification.
Comment: The PCNT c.2615T>C variant is predicted to result in the amino acid substitution p.Leu872Ser. To our knowledge, this variant has not been reported in the literature or in a large population database, indicating this variant is rare. At this time, the clinical significance of this variant is uncertain due to the absence of conclusive functional and genetic evidence.